The following is an entry in ClinVar:

ClinVar aggregate classification (germline): Uncertain significance. Review status: criteria provided, multiple submitters, no conflicts (2 of 4 stars). 3 submissions from 3 submitters: Uncertain significance (3). Last evaluated 2024-09-26.

Conditions:
Familial adenomatous polyposis 1 (FAP1). Also called: FAMILIAL ADENOMATOUS POLYPOSIS 1, ATTENUATED; POLYPOSIS, ADENOMATOUS INTESTINAL. Identifiers: MedGen C2713442, MONDO:0021056, OMIM 175100. Disease mechanism: loss of function.
Classic or attenuated familial adenomatous polyposis. Identifiers: MedGen CN372698, MONDO:0021057.
Hereditary cancer-predisposing syndrome. Also called: Tumor predisposition; Hereditary neoplastic syndrome; Hereditary Cancer Syndrome; Neoplastic Syndromes, Hereditary. Identifiers: Orphanet 140162, MedGen C0027672, MeSH D009386, MONDO:0015356.

Submissions (3):

Ambry Genetics
Classification: Uncertain significance for Hereditary cancer-predisposing syndrome. Last evaluated: 2024-09-26. Review status: criteria provided, single submitter. Criteria: Ambry Variant Classification Scheme 2023. Collection method: clinical testing. Allele origin: germline.
Comment: The p.D1318V variant (also known as c.3953A>T), located in coding exon 15 of the APC gene, results from an A to T substitution at nucleotide position 3953. The aspartic acid at codon 1318 is replaced by valine, an amino acid with highly dissimilar properties. This amino acid position is conserved. In addition, in silico predictors for this gene do not accurately predict pathogenicity. Based on the available evidence, the clinical significance of this variant remains unclear.

Department of Pathology and Laboratory Medicine, Sinai Health System
Classification: Uncertain significance for classic or attenuated familial adenomatous polyposis. Last evaluated: 2023-08-14. Review status: criteria provided, single submitter. Criteria: ACMG Guidelines, 2015. Collection method: clinical testing. Allele origin: germline. Affected: yes.

Labcorp Genetics (formerly Invitae), Labcorp
Classification: Uncertain significance for Familial adenomatous polyposis 1. Last evaluated: 2020-11-23. Review status: criteria provided, single submitter. Criteria: Invitae Variant Classification Sherloc (09022015). Collection method: clinical testing. Allele origin: germline.
Comment: This variant has not been reported in the literature in individuals with APC-related conditions. In summary, the available evidence is currently insufficient to determine the role of this variant in disease. Therefore, it has been classified as a Variant of Uncertain Significance. Algorithms developed to predict the effect of missense changes on protein structure and function output the following: SIFT: "Deleterious"; PolyPhen-2: "Benign"; Align-GVGD: "Class C0". The valine amino acid residue is found in multiple mammalian species, suggesting that this missense change does not adversely affect protein function. These predictions have not been confirmed by published functional studies and their clinical significance is uncertain. This variant is not present in population databases (ExAC no frequency). This sequence change replaces aspartic acid with valine at codon 1318 of the APC protein (p.Asp1318Val). The aspartic acid residue is moderately conserved and there is a large physicochemical difference between aspartic acid and valine.

NM_000038.6(APC):c.3953A>T (p.Asp1318Val)

Gene: APC (APC regulator of Wnt signaling pathway; plus strand). Cytogenetic location: 5q22.2.
Variant type: single nucleotide variant.
Coding change: c.3953A>T on transcript NM_000038.6 (MANE Select); coding-DNA position 3953, A replaced by T.
Protein change: p.Asp1318Val; replaces aspartic acid 1318 with valine.
Molecular consequence: missense variant.
Genome position (GRCh38, 1-based): chr5:112,839,547, A>T. VCF-style: chr5-112839547-A-T. GRCh37 (hg19) VCF-style: chr5-112175244-A-T.
Other names: c.3953A>T (NM_000038.5); c.3953A>T, p.Asp1318Val (NM_001127510.3, NM_001354895.2); c.3899A>T, p.Asp1300Val (NM_001127511.3); c.4007A>T, p.Asp1336Val (NM_001354896.2); c.3983A>T, p.Asp1328Val (NM_001354897.2); c.3878A>T, p.Asp1293Val (NM_001354898.2); c.3869A>T, p.Asp1290Val (NM_001354899.2); c.3830A>T, p.Asp1277Val (NM_001354900.2); and 6 more; short protein forms D1259V, D1300V, D1318V, D1328V, D1192V, D1227V, D1293V, D1035V.
Identifiers: ClinVar variation 1465385 (VCV001465385.10), dbSNP rs2149902744, ClinGen allele CA16030004.